The following is an entry in ClinVar:

ClinVar aggregate classification (germline): Uncertain significance (1 of 4 stars; one submission).

Conditions:
Combined oxidative phosphorylation defect type 27. Also called: Combined oxidative phosphorylation deficiency 27. Identifiers: Orphanet 477774, MedGen C5567608, MONDO:0014728, OMIM 616672.

Allele frequency attached by ClinVar (database versions not stated): TOPMed 0.00002.

Submission:

Labcorp Genetics (formerly Invitae), Labcorp
Classification: Uncertain significance for Combined oxidative phosphorylation defect type 27. Last evaluated: 2022-07-11. Review status: criteria provided, single submitter. Criteria: Invitae Variant Classification Sherloc (09022015). Collection method: clinical testing. Allele origin: germline.
Comment: This sequence change replaces valine, which is neutral and non-polar, with isoleucine, which is neutral and non-polar, at codon 474 of the CARS2 protein (p.Val474Ile). This variant is present in population databases (rs774709224, gnomAD 0.01%). This variant has not been reported in the literature in individuals affected with CARS2-related conditions. ClinVar contains an entry for this variant (Variation ID: 655009). Algorithms developed to predict the effect of missense changes on protein structure and function output the following: SIFT: "Tolerated"; PolyPhen-2: "Benign"; Align-GVGD: "Class C0". The isoleucine amino acid residue is found in multiple mammalian species, which suggests that this missense change does not adversely affect protein function. In summary, the available evidence is currently insufficient to determine the role of this variant in disease. Therefore, it has been classified as a Variant of Uncertain Significance.

NM_024537.4(CARS2):c.1420G>A (p.Val474Ile)

Gene: CARS2 (cysteinyl-tRNA synthetase 2, mitochondrial; minus strand). Cytogenetic location: 13q34.
Variant type: single nucleotide variant.
Coding change: c.1420G>A on transcript NM_024537.4 (MANE Select); coding-DNA position 1420, G replaced by A.
Protein change: p.Val474Ile; replaces valine 474 with isoleucine.
Molecular consequence: missense variant. On other transcripts: non-coding transcript variant (2).
Genome position (GRCh38, 1-based): chr13:110,642,518, C>T on the plus strand (G>A on the coding strand, the complement: CARS2 is on the minus strand). VCF-style: chr13-110642518-C-T. GRCh37 (hg19) VCF-style: chr13-111294865-C-T.
Other names: c.634G>A, p.Val212Ile (NM_001352252.2); short protein forms V212I, V474I.
Identifiers: ClinVar variation 655009 (VCV000655009.8), dbSNP rs774709224, ClinGen allele CA7051660.